The following is an entry in ClinVar:

ClinVar aggregate classification (germline): Likely pathogenic (1 of 4 stars; one submission).

Conditions:
MPI-congenital disorder of glycosylation. Also called: CONGENITAL DISORDER OF GLYCOSYLATION, TYPE Ib; MANNOSEPHOSPHATE ISOMERASE DEFICIENCY; PROTEIN-LOSING ENTEROPATHY-HEPATIC FIBROSIS SYNDROME; MPI-CDG; MPI DEFICIENCY; CDG Ib. Identifiers: Orphanet 79319, MedGen C1865145, MONDO:0011257, OMIM 602579.

Submission:

Labcorp Genetics (formerly Invitae), Labcorp
Classification: Likely pathogenic for MPI-congenital disorder of glycosylation. Last evaluated: 2024-11-03. Review status: criteria provided, single submitter. Criteria: Invitae Variant Classification Sherloc (09022015). Collection method: clinical testing. Allele origin: germline.
Comment: This sequence change affects an acceptor splice site in intron 6 of the MPI gene. It is expected to disrupt RNA splicing. Variants that disrupt the donor or acceptor splice site typically lead to a loss of protein function (PMID: 16199547), and loss-of-function variants in MPI are known to be pathogenic (PMID: 19862844). This variant is not present in population databases (gnomAD no frequency). This variant has not been reported in the literature in individuals affected with MPI-related conditions. Algorithms developed to predict the effect of sequence changes on RNA splicing suggest that this variant may disrupt the consensus splice site. In summary, the currently available evidence indicates that the variant is pathogenic, but additional data are needed to prove that conclusively. Therefore, this variant has been classified as Likely Pathogenic.

Literature cited by the submitters: PubMed 16199547; PubMed 19862844.

NM_002435.3(MPI):c.845-1G>C

Gene: MPI (mannose phosphate isomerase; plus strand). Cytogenetic location: 15q24.1.
Variant type: single nucleotide variant.
Coding change: c.845-1G>C on transcript NM_002435.3 (MANE Select); the canonical splice acceptor site of the intron before coding-DNA position 845, G replaced by C.
Molecular consequence: splice acceptor variant. On other transcripts: intron variant (1).
Genome position (GRCh38, 1-based): chr15:74,897,010, G>C. VCF-style: chr15-74897010-G-C. GRCh37 (hg19) VCF-style: chr15-75189351-G-C.
Other names: c.785-1G>C (NM_001330372.2); c.845-502G>C (NM_001289155.2); c.662-1G>C (NM_001289157.2); c.695-1G>C (NM_001289156.2).
Identifiers: ClinVar variation 3721792 (VCV003721792.2).